The following is an entry in ClinVar:

ClinVar aggregate classification (germline): Uncertain significance (1 of 4 stars; one submission).

Conditions:
MN1-related disorder. Also called: MN1-related condition.

Submission:

PreventionGenetics, part of Exact Sciences
Classification: Uncertain significance for MN1-related condition. Last evaluated: 2026-01-18. Review status: criteria provided, single submitter. Criteria: ACMG Guidelines, 2015. Collection method: clinical testing. Allele origin: germline.
Comment: The MN1 c.1672A>G variant is predicted to result in the amino acid substitution p.Ile558Val. To our knowledge, this variant has not been reported in the literature or in a large population database (gnomAD), indicating this variant is rare. At this time, the clinical significance of this variant is uncertain due to the absence of conclusive functional and genetic evidence.

NM_002430.3(MN1):c.1672A>G (p.Ile558Val)

Gene: MN1 (MN1 proto-oncogene, transcriptional regulator; minus strand). Cytogenetic location: 22q12.1.
Variant type: single nucleotide variant.
Coding change: c.1672A>G on transcript NM_002430.3 (MANE Select); coding-DNA position 1672, A replaced by G.
Protein change: p.Ile558Val; replaces isoleucine 558 with valine.
Molecular consequence: missense variant.
Genome position (GRCh38, 1-based): chr22:27,798,872, T>C on the plus strand (A>G on the coding strand, the complement: MN1 is on the minus strand). VCF-style: chr22-27798872-T-C. GRCh37 (hg19) VCF-style: chr22-28194860-T-C.
Other names: short protein forms I558V.
Identifiers: ClinVar variation 4992681 (VCV004992681.1).